The following is an entry in ClinVar:

ClinVar aggregate classification (germline): Uncertain significance (1 of 4 stars; one submission).

Submission:

GeneDx
Classification: Uncertain significance. Last evaluated: 2025-04-15. Review status: criteria provided, single submitter. Criteria: GeneDx Variant Classification Process June 2021. Collection method: clinical testing. Allele origin: germline. Affected: yes.
Comment: Not observed at significant frequency in large population cohorts (gnomAD); Frameshift variant predicted to result in abnormal protein length as the last 2 amino acid(s) are replaced with 72 different amino acid(s); Has not been previously published as pathogenic or benign to our knowledge

NM_024496.4(IRF2BPL):c.2383_2384del (p.Asp795fs)

Gene: IRF2BPL (interferon regulatory factor 2 binding protein like; minus strand). Cytogenetic location: 14q24.3.
Variant type: Microsatellite.
Coding change: c.2383_2384del on transcript NM_024496.4 (MANE Select); coding-DNA positions 2383 to 2384, 2 bases deleted (GA; older notation c.2383_2384delGA).
Protein change: p.Asp795fs; shifts the reading frame from aspartic acid 795.
Molecular consequence: frameshift variant.
Genome position (GRCh38, 1-based): chr14:77,025,409-77,025,410, TC deleted on the plus strand (GA on the coding strand, the reverse complement: IRF2BPL is on the minus strand); deleting any 2 consecutive bases within chr14:77,025,409-77,025,416 gives the same sequence; the c. name uses the placement nearest the transcript's 3' end. VCF-style (leftmost placement, unchanged base first): chr14-77025408-GTC-G. GRCh37 (hg19) VCF-style: chr14-77491751-GTC-G.
Other names: short protein forms D795fs.
Identifiers: ClinVar variation 4282203 (VCV004282203.1).